The following is an entry in ClinVar:

ClinVar aggregate classification (germline): Uncertain significance (1 of 4 stars; one submission).

Submission:

Labcorp Genetics (formerly Invitae), Labcorp
Classification: Uncertain significance. Last evaluated: 2021-06-23. Review status: criteria provided, single submitter. Criteria: Invitae Variant Classification Sherloc (09022015). Collection method: clinical testing. Allele origin: germline.
Comment: In summary, the available evidence is currently insufficient to determine the role of this variant in disease. Therefore, it has been classified as a Variant of Uncertain Significance. Algorithms developed to predict the effect of missense changes on protein structure and function are either unavailable or do not agree on the potential impact of this missense change (SIFT: "Deleterious"; PolyPhen-2: "Benign"; Align-GVGD: "Class C0"). This variant has not been reported in the literature in individuals with CCDC88A-related conditions. This variant is not present in population databases (ExAC no frequency). This sequence change replaces proline with leucine at codon 1725 of the CCDC88A protein (p.Pro1725Leu). The proline residue is weakly conserved and there is a moderate physicochemical difference between proline and leucine.

NM_001365480.1(CCDC88A):c.5177C>T (p.Pro1726Leu)

Gene: CCDC88A (coiled-coil and HOOK domain protein 88A; minus strand). Cytogenetic location: 2p16.1.
Variant type: single nucleotide variant.
Coding change: c.5177C>T on transcript NM_001365480.1 (MANE Select); coding-DNA position 5177, C replaced by T.
Protein change: p.Pro1726Leu; replaces proline 1726 with leucine.
Molecular consequence: missense variant.
Genome position (GRCh38, 1-based): chr2:55,295,971, G>A on the plus strand (C>T on the coding strand, the complement: CCDC88A is on the minus strand). VCF-style: chr2-55295971-G-A. GRCh37 (hg19) VCF-style: chr2-55523107-G-A.
Other names: c.5174C>T, p.Pro1725Leu (NM_001135597.2, NM_001254943.2); c.5093C>T, p.Pro1698Leu (NM_018084.5); short protein forms P1726L, P1698L, P1725L.
Identifiers: ClinVar variation 1468794 (VCV001468794.8), dbSNP rs2104550277, ClinGen allele CA346912033.